The following is an entry in ClinVar:

ClinVar aggregate classification (germline): Uncertain significance. Review status: criteria provided, multiple submitters, no conflicts (2 of 4 stars). 3 submissions from 3 submitters: Uncertain significance (3). Last evaluated 2025-06-24.

Conditions:
Familial thoracic aortic aneurysm and aortic dissection (TAAD). Also called: Thoracic aortic aneurysms and dissections. Identifiers: Orphanet 91387, MedGen C4707243, MONDO:0019625.
Aortic aneurysm, familial thoracic 4 (AAT4). Also called: AORTIC ANEURYSM/AORTIC DISSECTION AND PATENT DUCTUS ARTERIOSUS. Identifiers: MedGen C1851504, MONDO:0007568, OMIM 132900.

Allele frequency attached by ClinVar (database versions not stated): ExAC 0.00001; gnomAD 0.00001; gnomAD exomes 0.00001; TOPMed 0.00001; ESP Exome Variant Server 0.00008.
gnomAD v4.1: 13 of 1,613,874 alleles (0.00081%); highest among the groups gnomAD compares: Non-Finnish European, 0.001%; no homozygotes.

Submissions (3):

GeneDx
Classification: Uncertain significance. Last evaluated: 2025-06-24. Review status: criteria provided, single submitter. Criteria: GeneDx Variant Classification Process June 2021. Collection method: clinical testing. Allele origin: germline. Affected: yes.
Comment: Not observed at significant frequency in large population cohorts (gnomAD); In silico analysis supports that this missense variant has a deleterious effect on protein structure/function; Has not been previously published as pathogenic or benign to our knowledge

Ambry Genetics
Classification: Uncertain significance for Familial thoracic aortic aneurysm and aortic dissection. Last evaluated: 2024-06-17. Review status: criteria provided, single submitter. Criteria: Ambry Variant Classification Scheme 2023. Collection method: clinical testing. Allele origin: germline.

Labcorp Genetics (formerly Invitae), Labcorp
Classification: Uncertain significance for Aortic aneurysm, familial thoracic 4. Last evaluated: 2024-01-18. Review status: criteria provided, single submitter. Criteria: Invitae Variant Classification Sherloc (09022015). Collection method: clinical testing. Allele origin: germline.
Comment: This sequence change replaces tyrosine, which is neutral and polar, with cysteine, which is neutral and slightly polar, at codon 314 of the MYH11 protein (p.Tyr314Cys). This variant is present in population databases (rs368906359, gnomAD 0.0009%). This variant has not been reported in the literature in individuals affected with MYH11-related conditions. Advanced modeling of protein sequence and biophysical properties (such as structural, functional, and spatial information, amino acid conservation, physicochemical variation, residue mobility, and thermodynamic stability) has been performed at Invitae for this missense variant, however the output from this modeling did not meet the statistical confidence thresholds required to predict the impact of this variant on MYH11 protein function. In summary, the available evidence is currently insufficient to determine the role of this variant in disease. Therefore, it has been classified as a Variant of Uncertain Significance.

NM_002474.3(MYH11):c.920A>G (p.Tyr307Cys)

Gene: MYH11 (myosin heavy chain 11; minus strand). Cytogenetic location: 16p13.11.
Variant type: single nucleotide variant.
Coding change: c.920A>G on transcript NM_002474.3 (MANE Select); coding-DNA position 920, A replaced by G.
Protein change: p.Tyr307Cys; replaces tyrosine 307 with cysteine.
Molecular consequence: missense variant.
Genome position (GRCh38, 1-based): chr16:15,771,682, T>C on the plus strand (A>G on the coding strand, the complement: MYH11 is on the minus strand). VCF-style: chr16-15771682-T-C. GRCh37 (hg19) VCF-style: chr16-15865539-T-C.
Other names: c.941A>G, p.Tyr314Cys (NM_001040113.2, NM_001040114.2); c.920A>G, p.Tyr307Cys (NM_022844.3); short protein forms Y314C, Y307C.
Identifiers: ClinVar variation 2737969 (VCV002737969.5), dbSNP rs368906359, ClinGen allele CA7922774.
Genomic context (GRCh38, chr16:15,771,682, plus strand): 5'-TGGAACATCTCATCATCCTGGGCTGCTGGGATGGGCACAAAGCCATTGGAGAGGAAGGTG[T>C]AGTTGTTGAAGCCCTCCAAAAGCAAGTCACCTAGAAGGAGAGGAAGACAGGTCAGGGTCA-3'
Protein context (NP_002465.1, residues 297-317): SDLLLEGFNN[Tyr307Cys]TFLSNGFVPI